The following is an entry in ClinVar:

ClinVar aggregate classification (germline): Uncertain significance. Review status: criteria provided, multiple submitters, no conflicts (2 of 4 stars). 2 submissions from 2 submitters: Uncertain significance (2). Last evaluated 2025-12-04.

Conditions:
Inborn genetic diseases. Identifiers: MedGen C0950123, MeSH D030342.
Bethlem myopathy 1A. Also called: MYOPATHY, BENIGN CONGENITAL, WITH CONTRACTURES; Bethlem Muscular Dystrophy; Bethlem myopathy 1. Identifiers: Orphanet 610, MedGen CN029274, MONDO:0024530, OMIM 158810.

Allele frequency attached by ClinVar (database versions not stated): gnomAD exomes below 0.00001 and 0.00001; ExAC 0.00001; TOPMed 0.00001.
gnomAD v4.1: 5 of 1,613,002 alleles (0.00031%); highest among the groups gnomAD compares: Admixed American, 0.0017%; no homozygotes.

Submissions (2):

Ambry Genetics
Classification: Uncertain significance for Inborn genetic diseases. Last evaluated: 2025-12-04. Review status: criteria provided, single submitter. Criteria: Ambry Variant Classification Scheme 2023. Collection method: clinical testing. Allele origin: germline.

Labcorp Genetics (formerly Invitae), Labcorp
Classification: Uncertain significance for Bethlem myopathy 1A. Last evaluated: 2022-07-11. Review status: criteria provided, single submitter. Criteria: Invitae Variant Classification Sherloc (09022015). Collection method: clinical testing. Allele origin: germline.
Comment: In summary, the available evidence is currently insufficient to determine the role of this variant in disease. Therefore, it has been classified as a Variant of Uncertain Significance. Algorithms developed to predict the effect of missense changes on protein structure and function are either unavailable or do not agree on the potential impact of this missense change (SIFT: "Deleterious"; PolyPhen-2: "Probably Damaging"; Align-GVGD: "Class C0"). ClinVar contains an entry for this variant (Variation ID: 846413). This variant has not been reported in the literature in individuals affected with COL6A2-related conditions. This variant is present in population databases (rs753370790, gnomAD 0.0008%). This sequence change replaces lysine, which is basic and polar, with glutamine, which is neutral and polar, at codon 267 of the COL6A2 protein (p.Lys267Gln).

NM_001849.4(COL6A2):c.799A>C (p.Lys267Gln)

Gene: COL6A2 (collagen type VI alpha 2 chain; plus strand). Cytogenetic location: 21q22.3.
Variant type: single nucleotide variant.
Coding change: c.799A>C on transcript NM_001849.4 (MANE Select); coding-DNA position 799, A replaced by C.
Protein change: p.Lys267Gln; replaces lysine 267 with glutamine.
Molecular consequence: missense variant.
Genome position (GRCh38, 1-based): chr21:46,114,071, A>C. VCF-style: chr21-46114071-A-C. GRCh37 (hg19) VCF-style: chr21-47533985-A-C.
Other names: c.799A>C, p.Lys267Gln (NM_058174.3, NM_058175.3); short protein forms K267Q.
Identifiers: ClinVar variation 846413 (VCV000846413.11), dbSNP rs753370790, ClinGen allele CA10071457.